The following is an entry in ClinVar:

NM_016151.4(TAOK2):c.2845C>T (p.His949Tyr)

Gene: TAOK2 (TAO kinase 2; plus strand). Cytogenetic location: 16p11.2.
Variant type: single nucleotide variant.
Coding change: c.2845C>T on transcript NM_016151.4 (MANE Select); coding-DNA position 2845, C replaced by T.
Protein change: p.His949Tyr; replaces histidine 949 with tyrosine.
Molecular consequence: missense variant. On other transcripts: intron variant (1).
Genome position (GRCh38, 1-based): chr16:29,987,117, C>T. VCF-style: chr16-29987117-C-T. GRCh37 (hg19) VCF-style: chr16-29998438-C-T.
Other names: c.2506C>T, p.His836Tyr (NM_001252043.2); c.2232+613C>T (NM_004783.4); short protein forms H836Y, H949Y.
Identifiers: ClinVar variation 4809610 (VCV004809610.1).

ClinVar aggregate classification (germline): Uncertain significance (1 of 4 stars; one submission).

Submission:

Labcorp Genetics (formerly Invitae), Labcorp
Classification: Uncertain significance. Last evaluated: 2025-06-20. Review status: criteria provided, single submitter. Criteria: Invitae Variant Classification Sherloc (09022015). Collection method: clinical testing. Allele origin: germline.
Comment: This sequence change replaces histidine, which is basic and polar, with tyrosine, which is neutral and polar, at codon 949 of the TAOK2 protein (p.His949Tyr). This variant is not present in population databases (gnomAD no frequency). This variant has not been reported in the literature in individuals affected with TAOK2-related conditions. An algorithm developed to predict the effect of missense changes on protein structure and function (PolyPhen-2) suggests that this variant is likely to be disruptive. In summary, the available evidence is currently insufficient to determine the role of this variant in disease. Therefore, it has been classified as a Variant of Uncertain Significance.